The following is an entry in ClinVar:

NM_024027.5(COLEC11):c.415A>C (p.Ile139Leu)

Gene: COLEC11 (collectin subfamily member 11; plus strand). Cytogenetic location: 2p25.3.
Variant type: single nucleotide variant.
Coding change: c.415A>C on transcript NM_024027.5 (MANE Select); coding-DNA position 415, A replaced by C.
Protein change: p.Ile139Leu; replaces isoleucine 139 with leucine.
Molecular consequence: missense variant. On other transcripts: non-coding transcript variant (1).
Genome position (GRCh38, 1-based): chr2:3,643,530, A>C. VCF-style: chr2-3643530-A-C. GRCh37 (hg19) VCF-style: chr2-3691120-A-C.
Other names: c.343A>C, p.Ile115Leu (NM_001255982.2, NM_001255983.2); c.271A>C, p.Ile91Leu (NM_001255984.2); c.457A>C, p.Ile153Leu (NM_001255985.1); c.337A>C, p.Ile113Leu (NM_001255986.1); c.265A>C, p.Ile89Leu (NM_001255987.1, NM_001255988.1); c.193A>C, p.Ile65Leu (NM_001255989.1); c.406A>C, p.Ile136Leu (NM_199235.3); short protein forms I113L, I115L, I136L, I139L, I153L, I65L, I89L, I91L.
Identifiers: ClinVar variation 4803101 (VCV004803101.1).
Genomic context (GRCh38, chr2:3,643,530, plus strand): 5'-CGCAAGGCCATCGGGGAGATGGACAACCAGGTCTCTCAGCTGACCAGCGAGCTCAAGTTC[A>C]TCAAGAATGGTATGTGGCTCCCGGCGCCGCCCTCGCTCCCTCCCACCTCCCAGCCCTGTC-3'
Protein context (NP_076932.1, residues 129-149): VSQLTSELKF[Ile139Leu]KNAVAGVRET

ClinVar aggregate classification (germline): Uncertain significance (1 of 4 stars; one submission).

gnomAD v4.1: 21 of 1,613,582 alleles (0.0013%); highest among the groups gnomAD compares: Non-Finnish European, 0.0014%; no homozygotes.

Submission:

Labcorp Genetics (formerly Invitae), Labcorp
Classification: Uncertain significance. Last evaluated: 2025-08-21. Review status: criteria provided, single submitter. Criteria: Invitae Variant Classification Sherloc (09022015). Collection method: clinical testing. Allele origin: germline.
Comment: This sequence change replaces isoleucine, which is neutral and non-polar, with leucine, which is neutral and non-polar, at codon 139 of the COLEC11 protein (p.Ile139Leu). This variant is present in population databases (rs370358651, gnomAD 0.003%). This variant has not been reported in the literature in individuals affected with COLEC11-related conditions. Invitae Evidence Modeling of protein sequence and biophysical properties (such as structural, functional, and spatial information, amino acid conservation, physicochemical variation, residue mobility, and thermodynamic stability) indicates that this missense variant is not expected to disrupt COLEC11 protein function with a negative predictive value of 80%. In summary, the available evidence is currently insufficient to determine the role of this variant in disease. Therefore, it has been classified as a Variant of Uncertain Significance.